The following is an entry in ClinVar:

NM_024854.5(PYROXD1):c.247A>G (p.Ile83Val)

Gene: PYROXD1 (pyridine nucleotide-disulphide oxidoreductase domain 1; plus strand). Cytogenetic location: 12p12.1.
Variant type: single nucleotide variant.
Coding change: c.247A>G on transcript NM_024854.5 (MANE Select); coding-DNA position 247, A replaced by G.
Protein change: p.Ile83Val; replaces isoleucine 83 with valine.
Molecular consequence: missense variant. On other transcripts: 5 prime UTR variant (1).
Genome position (GRCh38, 1-based): chr12:21,445,428, A>G. VCF-style: chr12-21445428-A-G. GRCh37 (hg19) VCF-style: chr12-21598362-A-G.
Other names: c.34A>G, p.Ile12Val (NM_001350912.2); c.-457A>G (NM_001350913.2); short protein forms I83V, I12V.
Identifiers: ClinVar variation 1469064 (VCV001469064.4), dbSNP rs752696374, ClinGen allele CA6478148.

ClinVar aggregate classification (germline): Uncertain significance (1 of 4 stars; one submission).

Allele frequency attached by ClinVar (database versions not stated): gnomAD 0.00001; TOPMed 0.00001; gnomAD exomes 0.00002 and 0.00003; ExAC 0.00003.
gnomAD v4.1: 32 of 1,607,100 alleles (0.002%); highest among the groups gnomAD compares: Admixed American, 0.0034%; no homozygotes.

Submission:

Labcorp Genetics (formerly Invitae), Labcorp
Classification: Uncertain significance. Last evaluated: 2023-05-15. Review status: criteria provided, single submitter. Criteria: Invitae Variant Classification Sherloc (09022015). Collection method: clinical testing. Allele origin: germline.
Comment: This sequence change replaces isoleucine, which is neutral and non-polar, with valine, which is neutral and non-polar, at codon 83 of the PYROXD1 protein (p.Ile83Val). This variant is present in population databases (rs752696374, gnomAD 0.006%). In summary, the available evidence is currently insufficient to determine the role of this variant in disease. Therefore, it has been classified as a Variant of Uncertain Significance. Advanced modeling of protein sequence and biophysical properties (such as structural, functional, and spatial information, amino acid conservation, physicochemical variation, residue mobility, and thermodynamic stability) performed at Invitae indicates that this missense variant is not expected to disrupt PYROXD1 protein function. ClinVar contains an entry for this variant (Variation ID: 1469064). This variant has not been reported in the literature in individuals affected with PYROXD1-related conditions.